The following is an entry in ClinVar:

NM_152263.4(TPM3):c.118-12G>A

Gene: TPM3 (tropomyosin 3; minus strand). Cytogenetic location: 1q21.3.
Variant type: single nucleotide variant.
Coding change: c.118-12G>A on transcript NM_152263.4 (MANE Select); 12 bases into the intron before coding-DNA position 118, G replaced by A.
Molecular consequence: intron variant.
Genome position (GRCh38, 1-based): chr1:154,191,323, C>T on the plus strand (G>A on the coding strand, the complement: TPM3 is on the minus strand). VCF-style: chr1-154191323-C-T. GRCh37 (hg19) VCF-style: chr1-154163799-C-T.
Other names: g.1:154191323C>T; c.118-12G>A (NM_001364679.2, NM_001364681.2, NM_001364680.2 and 1 more transcripts).
Identifiers: ClinVar variation 1526419 (VCV001526419.8), dbSNP rs2526056353, ClinGen allele CA2573051308.

ClinVar aggregate classification (germline): Pathogenic/Likely pathogenic. Review status: criteria provided, multiple submitters, no conflicts (2 of 4 stars). 4 submissions from 4 submitters: Pathogenic (1); Likely pathogenic (3). Last evaluated 2025-12-03.

Conditions:
Congenital myopathy with fiber type disproportion. Also called: Congenital fiber-type disproportion myopathy; Congenital fiber-type disproportion. Identifiers: Orphanet 2020, MedGen C0546264, MONDO:0009711. Inheritance: all.
Congenital myopathy 4B, autosomal recessive. Also called: Nemaline myopathy 1, autosomal dominant or recessive. Identifiers: Orphanet 171433, Orphanet 171439, Orphanet 171881, MedGen C5829889, MONDO:0012239, OMIM 609284.

Submissions (4):

GeneDx
Classification: Likely pathogenic. Last evaluated: 2025-12-03. Review status: criteria provided, single submitter. Criteria: GeneDx Variant Classification Process June 2021. Collection method: clinical testing. Allele origin: germline.
Comment: Published functional studies suggest the c.118-12 variant has a damaging effect and reduces the TPM3 muscle specific isoform TPM3.12 (PMID: 35796944); Not observed at significant frequency in large population cohorts (gnomAD); In silico analysis supports a deleterious effect on splicing; This variant is associated with the following publications: (PMID: 35796944)

3billion
Classification: Likely pathogenic for Congenital myopathy 4B, autosomal recessive. Last evaluated: 2024-09-05. Review status: criteria provided, single submitter. Criteria: ACMG Guidelines, 2015. Collection method: clinical testing. Allele origin: germline. Affected: yes.
Comment: The variant is not observed in the gnomAD v4.0.0 dataset. Predicted Consequence/Location: Intron variant In silico tools predict the variant to alter splicing and produce an abnormal transcript [SpliceAI: 1.00 (>=0.2, moderate evidence for spliceogenicity)]. The variant has been reported at least twice as pathogenic with clinical assertions and evidence for the classification (ClinVar ID: VCV001526419). Therefore, this variant is classified as Likely pathogenic according to the recommendation of ACMG/AMP guideline.

Broad Center for Mendelian Genomics, Broad Institute of MIT and Harvard
Classification: Likely pathogenic for Congenital myopathy with fiber type disproportion. Last evaluated: 2023-05-02. Review status: criteria provided, single submitter. Criteria: ACMG Guidelines, 2015. Collection method: curation. Allele origin: germline. Inheritance: Autosomal recessive inheritance.
Comment: The c.118-12G>A variant in TPM3 has been reported in one individual with autosomal recessive congenital fiber-type disproportion myopathy, who was homozygous for the variant (PMID: 35796944). This variant has also been reported in ClinVar (Variation ID: 1526419) and has been interpreted as pathogenic by the Morris Kahn Laboratory of Human Genetics,Ben-Gurion University of the Negev. This variant is absent in population databases. RT-PCR and qPCR analysis of patient skeletal muscle tissue showed 97% reduction of the TPM3.12 isoform, the isoform of TPM3 most highly expressed and specific to skeletal muscle, versus control sample (PMID: 35796944). This variant is located in the 3‚Äô splice region. Computational tools do suggest an impact to splicing. However, this information is not predictive enough to determine pathogenicity. There is an in-frame cryptic splice site 12 bases from the intron-exon boundary, providing evidence that this variant may delete 41 amino acids instead of causing loss of function. However, this information is not predictive enough to determine pathogenicity. Loss of function of the TPM3 gene is an established disease mechanism in autosomal recessive autosomal recessive congenital fiber-type disproportion myopathy. In summary, although additional studies are required to fully establish its clinical significance, this variant is likely pathogenic for autosomal recessive congenital fiber-type disproportion myopathy. ACMG/AMP Criteria applied: PS3, PM2_Supporting, PM3 (Richards 2015).

The Morris Kahn Laboratory of Human Genetics, Ben-gurion University of the Negev
Classification: Pathogenic for Congenital myopathy 4A, autosomal dominant. Last evaluated: 2022-03-29. Review status: criteria provided, single submitter. Criteria: ACMG Guidelines, 2015. Collection method: research, in vitro. Allele origin: biparental, not applicable. Inheritance: Autosomal recessive inheritance. Affected: yes. Observed: 1 variant allele, 1 homozygote. Functional consequence: decreased transcript level variant.

Literature cited by the submitters: PubMed 35796944 (cited by Broad Center for Mendelian Genomics, Broad Institute of MIT and Harvard).